The following is an entry in ClinVar:

ClinVar aggregate classification (germline): Likely benign. Review status: criteria provided, multiple submitters, no conflicts (2 of 4 stars). 2 submissions from 2 submitters: Likely benign (2). Last evaluated 2026-01-01.

Allele frequency attached by ClinVar (database versions not stated): ExAC 0.00002.
gnomAD v4.1: 37 of 1,613,890 alleles (0.0023%); highest among the groups gnomAD compares: Non-Finnish European, 0.0026%; no homozygotes.

Submissions (2):

CeGaT Center for Human Genetics Tuebingen
Classification: Likely benign. Last evaluated: 2026-01-01. Review status: criteria provided, single submitter. Criteria: CeGaT Center For Human Genetics Tuebingen Variant Classification Criteria Version 2. Collection method: clinical testing. Allele origin: germline. Affected: yes. Observed: 1 variant allele.
Comment: HIVEP2: BP4, BP7

Labcorp Genetics (formerly Invitae), Labcorp
Classification: Likely benign. Last evaluated: 2025-10-06. Review status: criteria provided, single submitter. Criteria: Invitae Variant Classification Sherloc (09022015). Collection method: clinical testing. Allele origin: germline.

NM_006734.4(HIVEP2):c.3204G>A (p.Thr1068=)

Gene: HIVEP2 (HIVEP zinc finger 2; minus strand). Cytogenetic location: 6q24.2.
Variant type: single nucleotide variant.
Coding change: c.3204G>A on transcript NM_006734.4 (MANE Select); coding-DNA position 3204, G replaced by A.
Protein change: p.Thr1068=; no amino-acid change (threonine 1068 retained).
Molecular consequence: synonymous variant.
Genome position (GRCh38, 1-based): chr6:142,771,535, C>T on the plus strand (G>A on the coding strand, the complement: HIVEP2 is on the minus strand). VCF-style: chr6-142771535-C-T. GRCh37 (hg19) VCF-style: chr6-143092672-C-T.
Identifiers: ClinVar variation 2871510 (VCV002871510.7), dbSNP rs755030077, ClinGen allele CA4028298.